The following is an entry in ClinVar:

ClinVar aggregate classification (germline): Uncertain significance (1 of 4 stars; one submission).

Conditions:
EGFR-related lung cancer (EGFR). Identifiers: MedGen CN130014.

Submission:

Labcorp Genetics (formerly Invitae), Labcorp
Classification: Uncertain significance for EGFR-related lung cancer. Last evaluated: 2024-03-18. Review status: criteria provided, single submitter. Criteria: Invitae Variant Classification Sherloc (09022015). Collection method: clinical testing. Allele origin: germline.
Comment: This sequence change replaces serine, which is neutral and polar, with phenylalanine, which is neutral and non-polar, at codon 484 of the EGFR protein (p.Ser484Phe). This variant is not present in population databases (gnomAD no frequency). This variant has not been reported in the literature in individuals affected with EGFR-related conditions. ClinVar contains an entry for this variant (Variation ID: 1347031). Advanced modeling of protein sequence and biophysical properties (such as structural, functional, and spatial information, amino acid conservation, physicochemical variation, residue mobility, and thermodynamic stability) performed at Invitae indicates that this missense variant is not expected to disrupt EGFR protein function with a negative predictive value of 80%. In summary, the available evidence is currently insufficient to determine the role of this variant in disease. Therefore, it has been classified as a Variant of Uncertain Significance.

NM_005228.5(EGFR):c.1451C>T (p.Ser484Phe)

Gene: EGFR (epidermal growth factor receptor; plus strand). Cytogenetic location: 7p11.2.
Variant type: single nucleotide variant.
Coding change: c.1451C>T on transcript NM_005228.5 (MANE Select); coding-DNA position 1451, C replaced by T.
Protein change: p.Ser484Phe; replaces serine 484 with phenylalanine.
Molecular consequence: missense variant.
Genome position (GRCh38, 1-based): chr7:55,160,291, C>T. VCF-style: chr7-55160291-C-T. GRCh37 (hg19) VCF-style: chr7-55227984-C-T.
Other names: c.1316C>T, p.Ser439Phe (NM_001346897.2, NM_001346899.2); c.1451C>T, p.Ser484Phe (NM_001346898.2, NM_201282.2, NM_201284.2); c.1292C>T, p.Ser431Phe (NM_001346900.2); c.650C>T, p.Ser217Phe (NM_001346941.2); short protein forms S439F, S431F, S217F, S484F.
Identifiers: ClinVar variation 1347031 (VCV001347031.8), dbSNP rs2128941662, ClinGen allele CA367579640.